The following is an entry in ClinVar:

ClinVar aggregate classification (germline): Likely pathogenic (1 of 4 stars; one submission).

Submission:

Dasa
Classification: Likely pathogenic. Last evaluated: 2025-08-20. Review status: criteria provided, single submitter. Criteria: DASA Assertion Criteria. Collection method: clinical testing. Allele origin: germline.
Comment: NM_000138.5(FBN1):c.7280G>A (p.Cys2427Tyr) is a missense variant that results in the substitution of cysteine with tyrosine. The affected residue or protein region has prior evidence supporting clinical relevance. This variant is absent from population databases. Computational evidence supports a deleterious effect. Based on the currently available evidence, this variant is classified as likely pathogenic.

NM_000138.5(FBN1):c.7280G>A (p.Cys2427Tyr)

Gene: FBN1 (fibrillin 1; minus strand). Cytogenetic location: 15q21.1.
Variant type: single nucleotide variant.
Coding change: c.7280G>A on transcript NM_000138.5 (MANE Select); coding-DNA position 7280, G replaced by A.
Protein change: p.Cys2427Tyr; replaces cysteine 2427 with tyrosine.
Molecular consequence: missense variant.
Genome position (GRCh38, 1-based): chr15:48,425,789, C>T on the plus strand (G>A on the coding strand, the complement: FBN1 is on the minus strand). VCF-style: chr15-48425789-C-T. GRCh37 (hg19) VCF-style: chr15-48717986-C-T.
Other names: c.7280G>A, p.Cys2427Tyr (NM_001406716.1); short protein forms C2427Y.
Identifiers: ClinVar variation 4883634 (VCV004883634.2).
Genomic context (GRCh38, chr15:48,425,789, plus strand): 5'-AGACACTTACCTACACAGGAAGTCCCAGTTATATCTGGAGTGTACCCAGTTTTACAAATG[C>T]AATGATATGATCCTCTGTCATTGACACATTCCCCATTTCGGCAAACATCGTGAATAACCT-3'
Protein context (NP_000129.3, residues 2417-2437): ECVNDRGSYH[Cys2427Tyr]ICKTGYTPDI